The following is an entry in ClinVar:

ClinVar aggregate classification (germline): Uncertain significance (1 of 4 stars; one submission).

Submission:

Labcorp Genetics (formerly Invitae), Labcorp
Classification: Uncertain significance. Last evaluated: 2024-06-22. Review status: criteria provided, single submitter. Criteria: Invitae Variant Classification Sherloc (09022015). Collection method: clinical testing. Allele origin: germline.
Comment: This sequence change replaces proline, which is neutral and non-polar, with serine, which is neutral and polar, at codon 85 of the IRF2BP2 protein (p.Pro85Ser). This variant is not present in population databases (gnomAD no frequency). This variant has not been reported in the literature in individuals affected with IRF2BP2-related conditions. An algorithm developed to predict the effect of missense changes on protein structure and function (PolyPhen-2) suggests that this variant is likely to be tolerated. In summary, the available evidence is currently insufficient to determine the role of this variant in disease. Therefore, it has been classified as a Variant of Uncertain Significance.

NM_182972.3(IRF2BP2):c.253C>T (p.Pro85Ser)

Genes: IRF2BP2 (interferon regulatory factor 2 binding protein 2; minus strand), LOC129932812 (ATAC-STARR-seq lymphoblastoid silent region 1977; plus strand). Cytogenetic location: 1q42.3.
Variant type: single nucleotide variant.
Coding change: c.253C>T on transcript NM_182972.3 (MANE Select); coding-DNA position 253, C replaced by T.
Protein change: p.Pro85Ser; replaces proline 85 with serine.
Molecular consequence: missense variant.
Genome position (GRCh38, 1-based): chr1:234,609,242, G>A on the plus strand (C>T on the coding strand, the complement: IRF2BP2 is on the minus strand). VCF-style: chr1-234609242-G-A. GRCh37 (hg19) VCF-style: chr1-234744988-G-A.
Other names: c.253C>T, p.Pro85Ser (NM_001077397.1); short protein forms P85S.
Identifiers: ClinVar variation 3674968 (VCV003674968.2).
Genomic context (GRCh38, chr1:234,609,242, plus strand): 5'-CGGGGCCGCCGTGGCCAAGCTGCTGCTGCTGCTGCAAAAGGATGTCCTTGGCGGAGAGCG[G>A]CGGCGGCTTGGCGGCGGCCGAGGCCGCGGCGCCGGGTGGGGAGCGACCCTCCGGGAAGCA-3'
Protein context (NP_892017.2, residues 75-95): AAASAAAKPP[Pro85Ser]LSAKDILLQQ